The following is an entry in ClinVar:

NM_006031.6(PCNT):c.8617_8620del (p.Ala2873fs)

Gene: PCNT (pericentrin; plus strand). Cytogenetic location: 21q22.3.
Variant type: Microsatellite.
Coding change: c.8617_8620del on transcript NM_006031.6 (MANE Select); coding-DNA positions 8617 to 8620, 4 bases deleted (GCAG; older notation c.8617_8620delGCAG).
Protein change: p.Ala2873fs; shifts the reading frame from alanine 2873.
Molecular consequence: frameshift variant. On other transcripts: intron variant (1).
Genome position (GRCh38, 1-based): chr21:46,432,081-46,432,084, GCAG deleted; deleting any 4 consecutive bases within chr21:46,432,077-46,432,084 gives the same sequence; the c. name uses the placement nearest the transcript's 3' end. VCF-style (leftmost placement, unchanged base first): chr21-46432076-TGCAG-T. GRCh37 (hg19) VCF-style: chr21-47851990-TGCAG-T.
Other names: c.8617_8620delGCAG (NM_006031.6); c.8160+103_8160+106del (NM_001315529.2); short protein forms A2873fs.
Identifiers: ClinVar variation 4850226 (VCV004850226.1).

ClinVar aggregate classification (germline): Likely pathogenic (1 of 4 stars; one submission).

Conditions:
Microcephalic osteodysplastic primordial dwarfism type II (MOPD2). Also called: Microcephalic osteodysplastic primordial dwarfism with tooth abnormalities; MOPD II; OSTEODYSPLASTIC PRIMORDIAL DWARFISM, TYPE II. Identifiers: Orphanet 2637, MedGen C0432246, MONDO:0008872, OMIM 210720.

Submission:

First Genomix Gene Laboratory, Genetic Diagnostics Department
Classification: Likely pathogenic for Microcephalic osteodysplastic primordial dwarfism type II. Last evaluated: 2025-08-28. Review status: criteria provided, single submitter. Criteria: ACMG Guidelines, 2015. Collection method: clinical testing. Allele origin: germline. Inheritance: Autosomal recessive inheritance. Affected: no. Observed: 1 variant allele.